The following is an entry in ClinVar:

ClinVar aggregate classification (germline): Uncertain significance. Review status: criteria provided, multiple submitters, no conflicts (2 of 4 stars). 2 submissions from 2 submitters: Uncertain significance (2). Last evaluated 2025-06-01.

Conditions:
Familial adenomatous polyposis 1 (FAP1). Also called: FAMILIAL ADENOMATOUS POLYPOSIS 1, ATTENUATED; POLYPOSIS, ADENOMATOUS INTESTINAL. Identifiers: MedGen C2713442, MONDO:0021056, OMIM 175100. Disease mechanism: loss of function.

Submissions (2):

Labcorp Genetics (formerly Invitae), Labcorp
Classification: Uncertain significance for Familial adenomatous polyposis 1. Last evaluated: 2025-06-01. Review status: criteria provided, single submitter. Criteria: Invitae Variant Classification Sherloc (09022015). Collection method: clinical testing. Allele origin: germline.
Comment: This sequence change replaces valine, which is neutral and non-polar, with alanine, which is neutral and non-polar, at codon 1528 of the APC protein (p.Val1528Ala). This variant is not present in population databases (gnomAD no frequency). This missense change has been observed in individual(s) with breast cancer (PMID: 35264596). ClinVar contains an entry for this variant (Variation ID: 584673). Invitae Evidence Modeling of protein sequence and biophysical properties (such as structural, functional, and spatial information, amino acid conservation, physicochemical variation, residue mobility, and thermodynamic stability) indicates that this missense variant is not expected to disrupt APC protein function with a negative predictive value of 95%. In summary, the available evidence is currently insufficient to determine the role of this variant in disease. Therefore, it has been classified as a Variant of Uncertain Significance.

Mendelics
Classification: Uncertain significance for Familial adenomatous polyposis 1. Last evaluated: 2018-07-02. Review status: criteria provided, single submitter. Criteria: Mendelics Assertion Criteria 2017. Collection method: clinical testing. Allele origin: unknown.

Literature cited by the submitters: PubMed 35264596 (cited by Labcorp Genetics (formerly Invitae), Labcorp).

NM_000038.6(APC):c.4583T>C (p.Val1528Ala)

Gene: APC (APC regulator of Wnt signaling pathway; plus strand). Cytogenetic location: 5q22.2.
Variant type: single nucleotide variant.
Coding change: c.4583T>C on transcript NM_000038.6 (MANE Select); coding-DNA position 4583, T replaced by C.
Protein change: p.Val1528Ala; replaces valine 1528 with alanine.
Molecular consequence: missense variant.
Genome position (GRCh38, 1-based): chr5:112,840,177, T>C. VCF-style: chr5-112840177-T-C. GRCh37 (hg19) VCF-style: chr5-112175874-T-C.
Other names: c.4499T>C, p.Val1500Ala (NM_001354899.2); c.4460T>C, p.Val1487Ala (NM_001354900.2); c.4406T>C, p.Val1469Ala (NM_001354901.2); c.4310T>C, p.Val1437Ala (NM_001354902.2); c.4280T>C, p.Val1427Ala (NM_001354903.2); c.4205T>C, p.Val1402Ala (NM_001354904.2); c.4103T>C, p.Val1368Ala (NM_001354905.2); c.3734T>C, p.Val1245Ala (NM_001354906.2); and 5 more; short protein forms V1528A, V1510A, V1368A, V1402A, V1538A, V1546A, V1245A, V1427A.
Identifiers: ClinVar variation 584673 (VCV000584673.3), dbSNP rs1561593719, ClinGen allele CA16031367.